The following is an entry in ClinVar:

ClinVar aggregate classification (germline): Conflicting classifications of pathogenicity. Review status: criteria provided, conflicting classifications (1 of 4 stars). 3 submissions from 3 submitters: Uncertain significance (1); Benign (1); Likely benign (1). Last evaluated 2024-12-19.

Conditions:
Lynch syndrome 5 (LYNCH5). Also called: Colorectal cancer, hereditary nonpolyposis, type 5; Hereditary non-polyposis colorectal cancer, type 5. Identifiers: Orphanet 144, MedGen C1833477, MONDO:0013710, OMIM 614350. Disease mechanism: loss of function.
Hereditary cancer-predisposing syndrome. Also called: Tumor predisposition; Hereditary Cancer Syndrome; Neoplastic Syndromes, Hereditary; Hereditary neoplastic syndrome. Identifiers: Orphanet 140162, MedGen C0027672, MeSH D009386, MONDO:0015356.

Submissions (3):

Myriad Genetics, Inc.
Classification: Benign for Lynch syndrome 5. Last evaluated: 2024-12-19. Review status: criteria provided, single submitter. Criteria: Myriad Autosomal Dominant, Autosomal Recessive and X-Linked Classification Criteria (2023). Collection method: clinical testing. Allele origin: unknown.
Comment: This variant is considered benign. This variant is a silent/synonymous amino acid change and it is not expected to impact splicing.

Ambry Genetics
Classification: Likely benign for Hereditary cancer-predisposing syndrome. Last evaluated: 2021-06-06. Review status: criteria provided, single submitter. Criteria: Ambry Variant Classification Scheme 2023. Collection method: clinical testing. Allele origin: germline.

Genetic Services Laboratory, University of Chicago
Classification: Uncertain significance. Last evaluated: 2019-04-05. Review status: criteria provided, single submitter. Criteria: ACMG Guidelines, 2015. Collection method: clinical testing. Allele origin: germline. Affected: no.

NM_000179.3(MSH6):c.576A>G (p.Glu192=)

Gene: MSH6 (mutS homolog 6; plus strand). Cytogenetic location: 2p16.3.
Variant type: single nucleotide variant.
Coding change: c.576A>G on transcript NM_000179.3 (MANE Select); coding-DNA position 576, A replaced by G.
Protein change: p.Glu192=; no amino-acid change (glutamic acid 192 retained).
Molecular consequence: synonymous variant. On other transcripts: 5 prime UTR variant (1), intron variant (2).
Genome position (GRCh38, 1-based): chr2:47,796,012, A>G. VCF-style: chr2-47796012-A-G. GRCh37 (hg19) VCF-style: chr2-48023151-A-G.
Other names: c.-327A>G (NM_001281494.2); c.-279-2599A>G (NM_001281493.2); c.238-2599A>G (NM_001281492.2).
Identifiers: ClinVar variation 1337097 (VCV001337097.7), dbSNP rs2104237282, ClinGen allele CA425993058.